The following is an entry in ClinVar:

NM_001267550.2(TTN):c.105928A>C (p.Ser35310Arg)

Genes: TTN-AS1 (TTN antisense RNA 1; plus strand), TTN (titin; minus strand), LOC129935183 (ATAC-STARR-seq lymphoblastoid active region 16808; plus strand). Cytogenetic location: 2q31.2.
Variant type: single nucleotide variant.
Coding change: c.105928A>C on transcript NM_001267550.2 (MANE Select); coding-DNA position 105928, A replaced by C.
Protein change: p.Ser35310Arg; replaces serine 35310 with arginine.
Molecular consequence: missense variant.
Genome position (GRCh38, 1-based): chr2:178,530,687, T>G on the plus strand (A>C on the coding strand, the complement: TTN is on the minus strand). VCF-style: chr2-178530687-T-G. GRCh37 (hg19) VCF-style: chr2-179395414-T-G.
Other names: c.101005A>C, p.Ser33669Arg (NM_001256850.1); c.78733A>C, p.Ser26245Arg (NM_003319.4); c.98224A>C, p.Ser32742Arg (NM_133378.4); c.79108A>C, p.Ser26370Arg (NM_133432.3); c.79309A>C, p.Ser26437Arg (NM_133437.4); short protein forms S26245R, S35310R, S26370R, S32742R, S26437R, S33669R.
Identifiers: ClinVar variation 2097716 (VCV002097716.4), dbSNP rs2468379204, ClinGen allele CA349407436.
Genomic context (GRCh38, chr2:178,530,687, plus strand): 5'-CATTTTCCTTCAGTTTCTTGCCATCTTTATACCAGGTGACCTCTTTTGCCCTTAATACAC[T>G]GCTTTCAACCACACAGGTCAGTTTTGCAATCTCTTTAGAAGCTTCTGCTTTCAGGAACTG-3'
Protein context (NP_001254479.2, residues 35300-35320): IAKLTCVVES[Ser35310Arg]VLRAKEVTWY

ClinVar aggregate classification (germline): Uncertain significance (1 of 4 stars; one submission).

Conditions:
Autosomal recessive limb-girdle muscular dystrophy type 2J (LGMDR10). Also called: Limb-girdle muscular dystrophy, type 2J; MUSCULAR DYSTROPHY, LIMB-GIRDLE, AUTOSOMAL RECESSIVE 10. Identifiers: Orphanet 140922, MedGen C1837342, MONDO:0012127, OMIM 608807.
Dilated cardiomyopathy 1G (CMD1G). Identifiers: Orphanet 154, MedGen C1858763, MONDO:0011400, OMIM 604145.

Submission:

Labcorp Genetics (formerly Invitae), Labcorp
Classification: Uncertain significance for Dilated cardiomyopathy 1G; Autosomal recessive limb-girdle muscular dystrophy type 2J. Last evaluated: 2022-02-14. Review status: criteria provided, single submitter. Criteria: Invitae Variant Classification Sherloc (09022015). Collection method: clinical testing. Allele origin: germline.
Comment: Experimental studies and prediction algorithms are not available or were not evaluated, and the functional significance of this variant is currently unknown. This variant has not been reported in the literature in individuals affected with TTN-related conditions. This variant is not present in population databases (gnomAD no frequency). This sequence change replaces serine, which is neutral and polar, with arginine, which is basic and polar, at codon 35310 of the TTN protein (p.Ser35310Arg). In summary, the available evidence is currently insufficient to determine the role of this variant in disease. Therefore, it has been classified as a Variant of Uncertain Significance. This variant is located in the M band of TTN (PMID: 25589632). Variants in this region may be relevant for neuromuscular disorders, but have not been definitively shown to cause cardiomyopathy (PMID: 23975875).

Literature cited by the submitters: PubMed 25589632; PubMed 23975875.